The following is an entry in ClinVar:

NM_032217.5(ANKRD17):c.373G>A (p.Glu125Lys)

Gene: ANKRD17 (ankyrin repeat domain 17; minus strand). Cytogenetic location: 4q13.3.
Variant type: single nucleotide variant.
Coding change: c.373G>A on transcript NM_032217.5 (MANE Select); coding-DNA position 373, G replaced by A.
Protein change: p.Glu125Lys; replaces glutamic acid 125 with lysine.
Molecular consequence: missense variant.
Genome position (GRCh38, 1-based): chr4:73,258,296, C>T on the plus strand (G>A on the coding strand, the complement: ANKRD17 is on the minus strand). VCF-style: chr4-73258296-C-T. GRCh37 (hg19) VCF-style: chr4-74124013-C-T.
Other names: c.373G>A, p.Glu125Lys (NM_015574.2, NM_198889.3); short protein forms E125K.
Identifiers: ClinVar variation 3893628 (VCV003893628.1).

ClinVar aggregate classification (germline): Uncertain significance (1 of 4 stars; one submission).

gnomAD v4.1: 1 of 1,613,474 alleles (0.000062%); highest among the groups gnomAD compares: Non-Finnish European, 0.000085%; no homozygotes.

Submission:

GeneDx
Classification: Uncertain significance. Last evaluated: 2024-10-28. Review status: criteria provided, single submitter. Criteria: GeneDx Variant Classification Process June 2021. Collection method: clinical testing. Allele origin: germline. Affected: yes.
Comment: Not observed at significant frequency in large population cohorts (gnomAD); In silico analysis indicates that this missense variant does not alter protein structure/function; Has not been previously published as pathogenic or benign to our knowledge